The following is an entry in ClinVar:

ClinVar aggregate classification (germline): Likely benign. Review status: criteria provided, multiple submitters, no conflicts (2 of 4 stars). 3 submissions from 3 submitters: Likely benign (3). Last evaluated 2025-11-23.

Conditions:
Hypokalemic periodic paralysis, type 1. Also called: Hypokalemic Periodic Paralysis Type 1 (AD); HypoPP. Identifiers: Orphanet 681, MedGen C3714580, MONDO:0042979, OMIM 170400.
Malignant hyperthermia, susceptibility to, 5 (MHS5). Also called: CACNA1S-Related Malignant Hyperthermia Susceptibility. Identifiers: Orphanet 423, MedGen C1866077, MONDO:0011163, OMIM 601887.

Allele frequency attached by ClinVar (database versions not stated): ExAC 0.00002; gnomAD exomes 0.00005; gnomAD 0.00011 and 0.00012; TOPMed 0.00016.
gnomAD v4.1: 64 of 1,610,444 alleles (0.004%); highest among the groups gnomAD compares: African/African-American, 0.046%; 1 homozygote.

Submissions (3):

Labcorp Genetics (formerly Invitae), Labcorp
Classification: Likely benign for Hypokalemic periodic paralysis, type 1; Malignant hyperthermia, susceptibility to, 5. Last evaluated: 2025-11-23. Review status: criteria provided, single submitter. Criteria: Invitae Variant Classification Sherloc (09022015). Collection method: clinical testing. Allele origin: germline.

Blueprint Genetics
Classification: Likely benign. Last evaluated: 2024-09-13. Review status: criteria provided, single submitter. Criteria: ACMG Guidelines, 2015. Collection method: clinical testing. Allele origin: germline.

GeneDx
Classification: Likely benign. Last evaluated: 2016-09-02. Review status: criteria provided, single submitter. Criteria: GeneDx Variant Classification (06012015). Collection method: clinical testing. Allele origin: germline. Affected: yes.
Comment: This variant is considered likely benign or benign based on one or more of the following criteria: it is a conservative change, it occurs at a poorly conserved position in the protein, it is predicted to be benign by multiple in silico algorithms, and/or has population frequency not consistent with disease.

NM_000069.3(CACNA1S):c.1948+13G>C

Gene: CACNA1S (calcium voltage-gated channel subunit alpha1 S; minus strand). Cytogenetic location: 1q32.1.
Variant type: single nucleotide variant.
Coding change: c.1948+13G>C on transcript NM_000069.3 (MANE Select); 13 bases into the intron after coding-DNA position 1948, G replaced by C.
Molecular consequence: intron variant.
Genome position (GRCh38, 1-based): chr1:201,075,482, C>G on the plus strand (G>C on the coding strand, the complement: CACNA1S is on the minus strand). VCF-style: chr1-201075482-C-G. GRCh37 (hg19) VCF-style: chr1-201044610-C-G.
Identifiers: ClinVar variation 294751 (VCV000294751.13), dbSNP rs538625530, ClinGen allele CA078686.
Genomic context (GRCh38, chr1:201,075,482, plus strand): 5'-TGACCCCCATTTTAAGCCCTTTCCCCCACCCCCTCCCTAAGCTCTTTTCTGCACCCTGCT[C>G]CCGAGAGGATACAGTTGCCACAGACGAAAAGGATGATGAAGTAAATGCACACAAGCATGC-3'